The following is an entry in ClinVar:

ClinVar aggregate classification (germline): Pathogenic. Review status: reviewed by expert panel (3 of 4 stars). 3 submissions from 3 submitters: Pathogenic (1). 2 of the submissions do not count toward it. Last evaluated 2016-10-18.

Conditions:
Breast-ovarian cancer, familial, susceptibility to, 1 (BROVCA1). Also called: BRCA1 Hereditary Breast and Ovarian Cancer; OVARIAN CANCER, SUSCEPTIBILITY TO. Identifiers: Orphanet 145, MedGen C2676676, MONDO:0011450, OMIM 604370. Disease mechanism: loss of function.

Submissions (3):

Evidence-based Network for the Interpretation of Germline Mutant Alleles (ENIGMA)
Classification: Pathogenic for Breast-ovarian cancer, familial, susceptibility to, 1. Last evaluated: 2016-10-18. Review status: reviewed by expert panel. Criteria: ENIGMA BRCA1/2 Classification Criteria (2015). Collection method: curation. Allele origin: germline.
Comment: Variant allele predicted to encode a truncated non-functional protein.

Department of Human Genetics, Hannover Medical School
Classification: Pathogenic for Breast-ovarian cancer, familial, susceptibility to, 1. Last evaluated: 2024-08-28. Review status: criteria provided, single submitter. Criteria: ACMG Guidelines, 2015. Collection method: clinical testing. Allele origin: germline. Inheritance: Autosomal dominant inheritance. Affected: yes. Not counted in ClinVar's aggregate classification.

Consortium of Investigators of Modifiers of BRCA1/2 (CIMBA), c/o University of Cambridge
Classification: Pathogenic for Breast-ovarian cancer, familial, susceptibility to, 1. Last evaluated: 2015-10-02. Review status: criteria provided, single submitter. Criteria: CIMBA Mutation Classification guidelines May 2016. Collection method: clinical testing. Allele origin: germline. Not counted in ClinVar's aggregate classification.

NM_007294.4(BRCA1):c.310del (p.Ser104fs)

Gene: BRCA1 (BRCA1 DNA repair associated; minus strand). Cytogenetic location: 17q21.31.
Variant type: Deletion.
Coding change: c.310del on transcript NM_007294.4 (MANE Select); coding-DNA position 310, one base deleted (A; older notation c.310delA).
Protein change: p.Ser104fs; shifts the reading frame from serine 104.
Molecular consequence: frameshift variant. On other transcripts: non-coding transcript variant (1).
Genome position (GRCh38, 1-based): chr17:43,104,253, T deleted on the plus strand (A on the coding strand, the reverse complement: BRCA1 is on the minus strand). VCF-style (leftmost placement, unchanged base first): chr17-43104252-CT-C. GRCh37 (hg19) VCF-style: chr17-41256269-CT-C.
Other names: - not available -; c.232delA, p.Ser78Alafs (NM_001408475.1, NM_001408476.1, NM_001407653.1 and 21 more transcripts); c.100delA, p.Ser34Alafs (NM_001408478.1, NM_001408479.1, NM_001408480.1 and 58 more transcripts); c.310delA, p.Ser104Alafs (NM_001408494.1, NM_001408495.1, NM_007294.3 and 164 more transcripts); c.169delA, p.Ser57Alafs (NM_001408496.1, NM_001408497.1, NM_001408498.1 and 98 more transcripts); c.-72delA (NM_001408510.1, NM_001408512.1, NM_001407959.1 and 4 more transcripts); c.169del, p.Ser57fs (NM_007297.4); c.310del, p.Ser104fs (NM_007299.4, NM_007300.4); and 2 more; short protein forms S104fs, S57fs.
Identifiers: ClinVar variation 266335 (VCV000266335.7), dbSNP rs886040097, ClinGen allele CA10590024.